The following is an entry in ClinVar:

ClinVar aggregate classification (germline): Benign (3 of 4 stars; one submission).

Conditions:
Breast-ovarian cancer, familial, susceptibility to, 2 (BROVCA2). Also called: BRCA2 Hereditary Breast and Ovarian Cancer. Identifiers: Orphanet 145, MedGen C2675520, MONDO:0012933, OMIM 612555. Disease mechanism: loss of function.

Allele frequency attached by ClinVar (database versions not stated): 1000 Genomes Project 30x 0.52498; 1000 Genomes Project 0.52756; TOPMed 0.52852; gnomAD 0.53426 and 0.53566.

Submission:

Evidence-based Network for the Interpretation of Germline Mutant Alleles (ENIGMA)
Classification: Benign for Breast-ovarian cancer, familial 2. Last evaluated: 2015-01-12. Review status: reviewed by expert panel. Criteria: ENIGMA BRCA1/2 Classification Criteria (2015). Collection method: curation. Allele origin: germline.
Comment: Class 1 not pathogenic based on frequency >1% in an outbred sampleset. Frequency 0.549 (Asian), 0.5427 (African), 0.5383 (European), derived from 1000 genomes (2012-04-30).

NM_000059.4(BRCA2):c.9256+6081T>G

Gene: BRCA2 (BRCA2 DNA repair associated; plus strand). Cytogenetic location: 13q13.1.
Variant type: single nucleotide variant.
Coding change: c.9256+6081T>G on transcript NM_000059.4 (MANE Select); 6081 bases into the intron after coding-DNA position 9256, T replaced by G.
Molecular consequence: intron variant.
Genome position (GRCh38, 1-based): chr13:32,386,226, T>G. VCF-style: chr13-32386226-T-G. GRCh37 (hg19) VCF-style: chr13-32960363-T-G.
Other names: IVS 24+6081T>G.
Identifiers: ClinVar variation 209954 (VCV000209954.1), dbSNP rs11147492, ClinGen allele CA276921.
Genomic context (GRCh38, chr13:32,386,226, plus strand): 5'-TCAAGGCTGAGGTGAGTGGATCACCTGAGGTCAGGAGTTCAAAACCAGTCTGGCCAAAGT[T>G]GCGAAACCGCTTCTCTACTAAAAATACAAAAATTAGCCAGGGGTGGTGGCACACACCTGT-3'